The following is an entry in ClinVar:

ClinVar aggregate classification (germline): Uncertain significance. Review status: criteria provided, multiple submitters, no conflicts (2 of 4 stars). 2 submissions from 2 submitters: Uncertain significance (2). Last evaluated 2025-12-04.

Conditions:
Inborn genetic diseases. Identifiers: MedGen C0950123, MeSH D030342.

Allele frequency attached by ClinVar (database versions not stated): ExAC 0.00002; gnomAD exomes 0.00002; TOPMed 0.00002; ESP Exome Variant Server 0.00008; gnomAD 0.00001.
gnomAD v4.1: 29 of 1,614,028 alleles (0.0018%); highest among the groups gnomAD compares: Non-Finnish European, 0.0024%; no homozygotes.

Submissions (2):

Ambry Genetics
Classification: Uncertain significance for Inborn genetic diseases. Last evaluated: 2025-12-04. Review status: criteria provided, single submitter. Criteria: Ambry Variant Classification Scheme 2023. Collection method: clinical testing. Allele origin: germline.

Labcorp Genetics (formerly Invitae), Labcorp
Classification: Uncertain significance. Last evaluated: 2021-10-27. Review status: criteria provided, single submitter. Criteria: Invitae Variant Classification Sherloc (09022015). Collection method: clinical testing. Allele origin: germline.
Comment: This sequence change replaces leucine, a(n) neutral and non-polar amino acid, with serine, a(n) neutral and polar amino acid, at codon 418 of the NBAS protein (p.Leu418Ser). This variant is present in population databases (rs369178249, gnomAD 0.007%). This variant has not been reported in the literature in individuals affected with NBAS-related conditions. Algorithms developed to predict the effect of missense changes on protein structure and function (SIFT, PolyPhen-2, Align-GVGD) all suggest that this variant is likely to be disruptive. In summary, the available evidence is currently insufficient to determine the role of this variant in disease. Therefore, it has been classified as a Variant of Uncertain Significance.

NM_015909.4(NBAS):c.1253T>C (p.Leu418Ser)

Gene: NBAS (NBAS subunit of NRZ tethering complex; minus strand). Cytogenetic location: 2p24.3.
Variant type: single nucleotide variant.
Coding change: c.1253T>C on transcript NM_015909.4 (MANE Select); coding-DNA position 1253, T replaced by C.
Protein change: p.Leu418Ser; replaces leucine 418 with serine.
Molecular consequence: missense variant. On other transcripts: non-coding transcript variant (1).
Genome position (GRCh38, 1-based): chr2:15,475,775, A>G on the plus strand (T>C on the coding strand, the complement: NBAS is on the minus strand). VCF-style: chr2-15475775-A-G. GRCh37 (hg19) VCF-style: chr2-15615899-A-G.
Other names: c.1253T>C (NM_015909.2); short protein forms L418S.
Identifiers: ClinVar variation 1521067 (VCV001521067.4), dbSNP rs369178249, ClinGen allele CA1536734.